The following is an entry in ClinVar:

NM_001184.4(ATR):c.6090G>A (p.Ala2030=)

Genes: ATR (ATR checkpoint kinase; minus strand), LOC126806830 (BRD4-independent group 4 enhancer GRCh37_chr3:142203676-142204875; plus strand). Cytogenetic location: 3q23.
Variant type: single nucleotide variant.
Coding change: c.6090G>A on transcript NM_001184.4 (MANE Select); coding-DNA position 6090, G replaced by A.
Protein change: p.Ala2030=; no amino-acid change (alanine 2030 retained).
Molecular consequence: synonymous variant.
Genome position (GRCh38, 1-based): chr3:142,485,271, C>T on the plus strand (G>A on the coding strand, the complement: ATR is on the minus strand). VCF-style: chr3-142485271-C-T. GRCh37 (hg19) VCF-style: chr3-142204113-C-T.
Other names: c.5898G>A, p.Ala1966= (NM_001354579.2).
Identifiers: ClinVar variation 343594 (VCV000343594.18), dbSNP rs201988169, ClinGen allele CA2649409.

ClinVar aggregate classification (germline): Conflicting classifications of pathogenicity. Review status: criteria provided, conflicting classifications (1 of 4 stars). 5 submissions from 5 submitters: Uncertain significance (1); Likely benign (3). 1 of the submissions does not count toward it. Last evaluated 2025-11-27.

Conditions:
Inborn genetic diseases. Identifiers: MedGen C0950123, MeSH D030342.
Seckel syndrome 1 (SCKL1). Also called: MICROCEPHALIC PRIMORDIAL DWARFISM I. Identifiers: Orphanet 808, MedGen C4551474, MONDO:0008869, OMIM 210600.
ATR-related disorder. Also called: ATR-related condition.

Allele frequency attached by ClinVar (database versions not stated): ExAC 0.00011; gnomAD exomes 0.00011; gnomAD 0.00012 and 0.00013; ESP Exome Variant Server 0.00015; TOPMed 0.00015; 1000 Genomes Project 30x 0.00016; 1000 Genomes Project 0.00020.
gnomAD v4.1: 375 of 1,614,124 alleles (0.023%); highest among the groups gnomAD compares: Admixed American, 0.032%; no homozygotes.

Submissions (5):

Labcorp Genetics (formerly Invitae), Labcorp
Classification: Likely benign. Last evaluated: 2025-11-27. Review status: criteria provided, single submitter. Criteria: Invitae Variant Classification Sherloc (09022015). Collection method: clinical testing. Allele origin: germline.

Blueprint Genetics
Classification: Likely benign. Last evaluated: 2024-09-06. Review status: criteria provided, single submitter. Criteria: ACMG Guidelines, 2015. Collection method: clinical testing. Allele origin: germline.

Ambry Genetics
Classification: Likely benign for Inborn genetic diseases. Last evaluated: 2022-02-18. Review status: criteria provided, single submitter. Criteria: Ambry Variant Classification Scheme 2023. Collection method: clinical testing. Allele origin: germline.

Illumina Laboratory Services, Illumina
Classification: Uncertain significance for Seckel syndrome 1. Last evaluated: 2018-01-13. Review status: criteria provided, single submitter. Criteria: ICSL Variant Classification Criteria 13 December 2019. Collection method: clinical testing. Allele origin: germline.

PreventionGenetics, part of Exact Sciences
Classification: Likely benign for ATR-related condition. Last evaluated: 2019-06-24. Review status: no assertion criteria provided. Collection method: clinical testing. Allele origin: germline. Not counted in ClinVar's aggregate classification.
Comment: This variant is classified as likely benign based on ACMG/AMP sequence variant interpretation guidelines (Richards et al. 2015 PMID: 25741868, with internal and published modifications).